The following is an entry in ClinVar:

NM_000059.4(BRCA2):c.9971C>T (p.Pro3324Leu)

Gene: BRCA2 (BRCA2 DNA repair associated; plus strand). Cytogenetic location: 13q13.1.
Variant type: single nucleotide variant.
Coding change: c.9971C>T on transcript NM_000059.4 (MANE Select); coding-DNA position 9971, C replaced by T.
Protein change: p.Pro3324Leu; replaces proline 3324 with leucine.
Molecular consequence: missense variant.
Genome position (GRCh38, 1-based): chr13:32,398,484, C>T. VCF-style: chr13-32398484-C-T. GRCh37 (hg19) VCF-style: chr13-32972621-C-T.
Other names: short protein forms P3324L.
Identifiers: ClinVar variation 992270 (VCV000992270.2), dbSNP rs1593202112, ClinGen allele CA387767467.

ClinVar aggregate classification (germline): Uncertain significance. Review status: criteria provided, multiple submitters, no conflicts (2 of 4 stars). 2 submissions from 2 submitters: Uncertain significance (2). Last evaluated 2025-09-05.

Conditions:
Hereditary cancer-predisposing syndrome. Also called: Neoplastic Syndromes, Hereditary; Hereditary neoplastic syndrome; Tumor predisposition; Hereditary Cancer Syndrome. Identifiers: Orphanet 140162, MedGen C0027672, MeSH D009386, MONDO:0015356.

Submissions (2):

Color Diagnostics, LLC DBA Color Health
Classification: Uncertain significance for Hereditary cancer-predisposing syndrome. Last evaluated: 2025-09-05. Review status: criteria provided, single submitter. Criteria: ACMG Guidelines, 2015. Collection method: clinical testing. Allele origin: germline.
Comment: This missense variant replaces proline with leucine at codon 3324 of the BRCA2 protein. Computational prediction suggests that this variant may not impact protein structure and function. To our knowledge, functional studies have not been reported for this variant. This variant has not been reported in individuals affected with BRCA2-related disorders in the literature. This variant has not been identified in the general population by the Genome Aggregation Database (gnomAD). The available evidence is insufficient to determine the role of this variant in disease conclusively. Therefore, this variant is classified as a Variant of Uncertain Significance.

Women's Health and Genetics/Laboratory Corporation of America, LabCorp
Classification: Uncertain significance. Last evaluated: 2020-12-28. Review status: criteria provided, single submitter. Criteria: LabCorp Variant Classification Summary - May 2015. Collection method: clinical testing. Allele origin: germline.
Comment: Variant summary: BRCA2 c.9971C>T (p.Pro3324Leu) results in a non-conservative amino acid change in the encoded protein sequence. Three of five in-silico tools predict a benign effect of the variant on protein function. The variant was absent in 250804 control chromosomes. The available data on variant occurrences in the general population are insufficient to allow any conclusion about variant significance. To our knowledge, no occurrence of c.9971C>T in individuals affected with Hereditary Breast And Ovarian Cancer Syndrome and no experimental evidence demonstrating its impact on protein function have been reported. Co-occurrences with another pathogenic variant have been reported (BRCA2 c.6952C>T, p.R2318X; internal samples), providing supporting evidence for a benign role. No clinical diagnostic laboratories have submitted clinical-significance assessments for this variant to ClinVar after 2014. Based on the evidence outlined above, the variant was classified as uncertain significance.

Literature cited by the submitters: PubMed 29126202 (cited by Women's Health and Genetics/Laboratory Corporation of America, LabCorp).